The following is an entry in ClinVar:

ClinVar aggregate classification (germline): Pathogenic/Likely pathogenic. Review status: criteria provided, multiple submitters, no conflicts (2 of 4 stars). 5 submissions from 5 submitters: Pathogenic (4); Likely pathogenic (1). Last evaluated 2026-01-28.

Conditions:
Hereditary cancer-predisposing syndrome. Also called: Hereditary neoplastic syndrome; Tumor predisposition; Neoplastic Syndromes, Hereditary; Hereditary Cancer Syndrome. Identifiers: Orphanet 140162, MedGen C0027672, MeSH D009386, MONDO:0015356.
Familial cancer of breast. Also called: hereditary breast carcinoma; Hereditary breast cancer; BREAST CANCER, FAMILIAL. Identifiers: Orphanet 227535, MedGen C0346153, MONDO:0016419, OMIM 114480. Disease mechanism: loss of function.

Allele frequency attached by ClinVar (database versions not stated): TOPMed below 0.00001.

Submissions (5):

Labcorp Genetics (formerly Invitae), Labcorp
Classification: Pathogenic for Familial cancer of breast. Last evaluated: 2026-01-28. Review status: criteria provided, single submitter. Criteria: Invitae Variant Classification Sherloc (09022015). Collection method: clinical testing. Allele origin: germline.
Comment: This sequence change creates a premature translational stop signal (p.Tyr409*) in the PALB2 gene. It is expected to result in an absent or disrupted protein product. Loss-of-function variants in PALB2 are known to be pathogenic (PMID: 17200668, 17200671, 17200672, 24136930, 25099575). This variant is not present in population databases (gnomAD no frequency). This variant has not been reported in the literature in individuals affected with PALB2-related conditions. ClinVar contains an entry for this variant (Variation ID: 956282). For these reasons, this variant has been classified as Pathogenic.

Myriad Genetics, Inc.
Classification: Pathogenic for Familial cancer of breast. Last evaluated: 2023-09-08. Review status: criteria provided, single submitter. Criteria: Myriad Autosomal Dominant, Autosomal Recessive and X-Linked Classification Criteria (2023). Collection method: clinical testing. Allele origin: unknown.
Comment: This variant is considered pathogenic. This variant creates a termination codon and is predicted to result in premature protein truncation.

Ambry Genetics
Classification: Pathogenic for Hereditary cancer-predisposing syndrome. Last evaluated: 2023-08-14. Review status: criteria provided, single submitter. Criteria: Ambry Variant Classification Scheme 2023. Collection method: clinical testing. Allele origin: germline.
Comment: The p.Y409* pathogenic mutation (also known as c.1227T>A), located in coding exon 4 of the PALB2 gene, results from a T to A substitution at nucleotide position 1227. This changes the amino acid from a tyrosine to a stop codon within coding exon 4. This alteration is expected to result in loss of function by premature protein truncation or nonsense-mediated mRNA decay. As such, this alteration is interpreted as a disease-causing mutation.

MGZ Medical Genetics Center
Classification: Likely pathogenic for Familial cancer of breast. Last evaluated: 2022-01-20. Review status: criteria provided, single submitter. Criteria: ACMG Guidelines, 2015. Collection method: clinical testing. Allele origin: germline. Affected: yes. Observed: 1 variant allele.
Comment: ACMG criteria applied: PVS1, PM2_SUP

Color Diagnostics, LLC DBA Color Health
Classification: Pathogenic for Hereditary cancer-predisposing syndrome. Last evaluated: 2020-12-11. Review status: criteria provided, single submitter. Criteria: ACMG Guidelines, 2015. Collection method: clinical testing. Allele origin: germline.
Comment: This variant changes 1 nucleotide in exon 4 of the PALB2 gene, creating a premature translation stop signal. This variant is expected to result in an absent or non-functional protein product. To our knowledge, this variant has not been reported in individuals affected with hereditary cancer in the literature. This variant has not been identified in the general population by the Genome Aggregation Database (gnomAD). Loss of PALB2 function is a known mechanism of disease. Based on the available evidence, this variant is classified as Pathogenic.

Literature cited by the submitters: PubMed 17200668 (cited by Labcorp Genetics (formerly Invitae), Labcorp); PubMed 17200671 (cited by Labcorp Genetics (formerly Invitae), Labcorp); PubMed 17200672 (cited by Labcorp Genetics (formerly Invitae), Labcorp); PubMed 24136930 (cited by Labcorp Genetics (formerly Invitae), Labcorp); PubMed 25099575 (cited by Labcorp Genetics (formerly Invitae), Labcorp).

NM_024675.4(PALB2):c.1227T>A (p.Tyr409Ter)

Gene: PALB2 (partner and localizer of BRCA2; minus strand). Cytogenetic location: 16p12.2.
Variant type: single nucleotide variant.
Coding change: c.1227T>A on transcript NM_024675.4 (MANE Select); coding-DNA position 1227, T replaced by A.
Protein change: p.Tyr409Ter; replaces tyrosine 409 with a stop codon.
Molecular consequence: nonsense.
Genome position (GRCh38, 1-based): chr16:23,635,319, A>T on the plus strand (T>A on the coding strand, the complement: PALB2 is on the minus strand). VCF-style: chr16-23635319-A-T. GRCh37 (hg19) VCF-style: chr16-23646640-A-T.
Other names: short protein forms Y409*.
Identifiers: ClinVar variation 956282 (VCV000956282.16), dbSNP rs1555461386, ClinGen allele CA395133079.